The following is an entry in ClinVar:

ClinVar aggregate classification (germline): Uncertain significance (1 of 4 stars; one submission).

Conditions:
Neuropathy, hereditary sensory, type 2C. Also called: Hereditary sensory and autonomic neuropathy type IIC; KIF1A-Related HSAN2 (HSAN2C). Identifiers: Orphanet 970, MedGen C3280168, MONDO:0013634, OMIM 614213.
Intellectual disability, autosomal dominant 9 (NESCAVS). Also called: KIF1A-Related Neurodevelopmental Disorder; NESCAV SYNDROME. Identifiers: Orphanet 662367, MedGen C5393830, MONDO:0013656, OMIM 614255.
Hereditary spastic paraplegia 30. Identifiers: Orphanet 101010, MedGen C5235139, MONDO:0012476.

Submission:

Labcorp Genetics (formerly Invitae), Labcorp
Classification: Uncertain significance for Hereditary spastic paraplegia 30; Neuropathy, hereditary sensory, type 2C; Intellectual disability, autosomal dominant 9. Last evaluated: 2020-09-20. Review status: criteria provided, single submitter. Criteria: Invitae Variant Classification Sherloc (09022015). Collection method: clinical testing. Allele origin: germline.
Comment: This variant results in a copy number gain of the genomic region encompassing exon(s) 1-34 of the KIF1A gene, which includes the initiator codon. The 5' end of this event is unknown as it extends beyond the assayed region for this gene and therefore may encompass additional genes. The 3' boundary is likely confined to intron 34 of the KIF1A gene. As the precise location of this event is unknown, it may be in tandem or it may be located elsewhere in the genome. This variant has not been reported in the literature in individuals with KIF1A-related conditions. Experimental studies and prediction algorithms are not available or were not evaluated, and the functional significance of this variant is currently unknown. In summary, the available evidence is currently insufficient to determine the role of this variant in disease. Therefore, it has been classified as a Variant of Uncertain Significance.

NC_000002.11:g.(?_241679465)_(241737179_?)dup

Gene: KIF1A (kinesin family member 1A; minus strand). Cytogenetic location: 2q37.3.
Variant type: Duplication.
Identifiers: ClinVar variation 1041932 (VCV001041932.1).